The following is an entry in ClinVar:

ClinVar aggregate classification (germline): Uncertain significance. Review status: criteria provided, multiple submitters, no conflicts (2 of 4 stars). 2 submissions from 2 submitters: Uncertain significance (2). Last evaluated 2025-04-23.

Conditions:
Neuropathy, hereditary motor and sensory, type 6B (HMSN6B). Also called: HMSN VIB; CHARCOT-MARIE-TOOTH DISEASE, TYPE 6B; NEUROPATHY, HEREDITARY MOTOR AND SENSORY, TYPE VIB, WITH OPTIC ATROPHY; Neuropathy, hereditary motor and sensory, type VIB. Identifiers: MedGen C4225302, MONDO:0014671, OMIM 616505.

Allele frequency attached by ClinVar (database versions not stated): TOPMed below 0.00001; ExAC 0.00002; gnomAD 0.00002.
gnomAD v4.1: 11 of 1,613,612 alleles (0.00068%); highest among the groups gnomAD compares: Non-Finnish European, 0.00025%; no homozygotes.

Submissions (2):

GeneDx
Classification: Uncertain significance. Last evaluated: 2025-04-23. Review status: criteria provided, single submitter. Criteria: GeneDx Variant Classification Process June 2021. Collection method: clinical testing. Allele origin: germline. Affected: yes.
Comment: In silico analysis indicates that this missense variant does not alter protein structure/function; Has not been previously published as pathogenic or benign to our knowledge

Labcorp Genetics (formerly Invitae), Labcorp
Classification: Uncertain significance for Neuropathy, hereditary motor and sensory, type 6B. Last evaluated: 2018-04-29. Review status: criteria provided, single submitter. Criteria: Invitae Variant Classification Sherloc (09022015). Collection method: clinical testing. Allele origin: germline.
Comment: In summary, the available evidence is currently insufficient to determine the role of this variant in disease. Therefore, it has been classified as a Variant of Uncertain Significance. Algorithms developed to predict the effect of missense changes on protein structure and function do not agree on the potential impact of this missense change (SIFT: "Tolerated"; PolyPhen-2: "Possibly Damaging"; Align-GVGD: "Class C0"). This variant has not been reported in the literature in individuals with SLC25A46-related disease. This variant is present in population databases (rs772739765, ExAC 0.003%). This sequence change replaces glutamine with histidine at codon 283 of the SLC25A46 protein (p.Gln283His). The glutamine residue is highly conserved and there is a small physicochemical difference between glutamine and histidine.

NM_138773.4(SLC25A46):c.849G>C (p.Gln283His)

Gene: SLC25A46 (solute carrier family 25 member 46; plus strand). Cytogenetic location: 5q22.1.
Variant type: single nucleotide variant.
Coding change: c.849G>C on transcript NM_138773.4 (MANE Select); coding-DNA position 849, G replaced by C.
Protein change: p.Gln283His; replaces glutamine 283 with histidine.
Molecular consequence: missense variant. On other transcripts: non-coding transcript variant (1), intron variant (1).
Genome position (GRCh38, 1-based): chr5:110,761,374, G>C. VCF-style: chr5-110761374-G-C. GRCh37 (hg19) VCF-style: chr5-110097074-G-C.
Other names: c.576G>C, p.Gln192His (NM_001303250.3); c.679-73G>C (NM_001303249.3); short protein forms Q283H, Q192H.
Identifiers: ClinVar variation 575114 (VCV000575114.10), dbSNP rs772739765, ClinGen allele CA3364760.